The following is an entry in ClinVar:

NM_004336.5(BUB1):c.2558A>C (p.Tyr853Ser)

Gene: BUB1 (BUB1 mitotic checkpoint serine/threonine kinase; minus strand). Cytogenetic location: 2q13.
Variant type: single nucleotide variant.
Coding change: c.2558A>C on transcript NM_004336.5 (MANE Select); coding-DNA position 2558, A replaced by C.
Protein change: p.Tyr853Ser; replaces tyrosine 853 with serine.
Molecular consequence: missense variant.
Genome position (GRCh38, 1-based): chr2:110,641,709, T>G on the plus strand (A>C on the coding strand, the complement: BUB1 is on the minus strand). VCF-style: chr2-110641709-T-G. GRCh37 (hg19) VCF-style: chr2-111399286-T-G.
Other names: c.2498A>C, p.Tyr833Ser (NM_001278616.2); c.2558A>C, p.Tyr853Ser (NM_001278617.2); short protein forms Y833S, Y853S.
Identifiers: ClinVar variation 2560893 (VCV002560893.2), dbSNP rs940408647, ClinGen allele CA348090324.

ClinVar aggregate classification (germline): Uncertain significance (1 of 4 stars; one submission).

gnomAD v4.1: 1 of 1,613,148 alleles (0.000062%); highest among the groups gnomAD compares: Non-Finnish European, 0.000085%; no homozygotes.

Submission:

Ambry Genetics
Classification: Uncertain significance. Last evaluated: 2023-04-10. Review status: criteria provided, single submitter. Criteria: Ambry Variant Classification Scheme 2023. Collection method: clinical testing. Allele origin: germline.
Comment: The p.Y853S variant (also known as c.2558A>C), located in coding exon 21 of the BUB1 gene, results from an A to C substitution at nucleotide position 2558. The tyrosine at codon 853 is replaced by serine, an amino acid with dissimilar properties. This amino acid position is conserved. In addition, this alteration is predicted to be tolerated by in silico analysis. Since supporting evidence is limited at this time, the clinical significance of this alteration remains unclear.